The following is an entry in ClinVar:

NM_014258.4(SYCP2):c.3456C>T (p.Asn1152=)

Gene: SYCP2 (synaptonemal complex protein 2; minus strand). Cytogenetic location: 20q13.33.
Variant type: single nucleotide variant.
Coding change: c.3456C>T on transcript NM_014258.4 (MANE Select); coding-DNA position 3456, C replaced by T.
Protein change: p.Asn1152=; no amino-acid change (asparagine 1152 retained).
Molecular consequence: synonymous variant.
Genome position (GRCh38, 1-based): chr20:59,873,955, G>A on the plus strand (C>T on the coding strand, the complement: SYCP2 is on the minus strand). VCF-style: chr20-59873955-G-A. GRCh37 (hg19) VCF-style: chr20-58449010-G-A.
Identifiers: ClinVar variation 2498890 (VCV002498890.28), dbSNP rs141596387, ClinGen allele CA9931533.

ClinVar aggregate classification (germline): Likely benign (1 of 4 stars; one submission).

Allele frequency attached by ClinVar (database versions not stated): 1000 Genomes Project 30x 0.00016; 1000 Genomes Project 0.00020; ESP Exome Variant Server 0.00031; ExAC 0.00042; gnomAD 0.00060; gnomAD exomes 0.00074; TOPMed 0.00082.
gnomAD v4.1: 1,181 of 1,613,158 alleles (0.073%); highest among the groups gnomAD compares: Non-Finnish European, 0.093%; 1 homozygote.

Submission:

CeGaT Center for Human Genetics Tuebingen
Classification: Likely benign. Last evaluated: 2024-09-01. Review status: criteria provided, single submitter. Criteria: CeGaT Center For Human Genetics Tuebingen Variant Classification Criteria Version 2. Collection method: clinical testing. Allele origin: germline. Affected: yes. Observed: 2 variant alleles.
Comment: SYCP2: BP4, BP7